The following is an entry in ClinVar:

NM_006567.5(FARS2):c.1001G>A (p.Cys334Tyr)

Gene: FARS2 (phenylalanyl-tRNA synthetase 2, mitochondrial; plus strand). Cytogenetic location: 6p25.1.
Variant type: single nucleotide variant.
Coding change: c.1001G>A on transcript NM_006567.5 (MANE Select); coding-DNA position 1001, G replaced by A.
Protein change: p.Cys334Tyr; replaces cysteine 334 with tyrosine.
Molecular consequence: missense variant.
Genome position (GRCh38, 1-based): chr6:5,545,276, G>A. VCF-style: chr6-5545276-G-A. GRCh37 (hg19) VCF-style: chr6-5545509-G-A.
Other names: c.1001G>A, p.Cys334Tyr (NM_001318872.2, NM_001374875.1, NM_001374876.1 and 4 more transcripts); c.869G>A, p.Cys290Tyr (NM_001375258.1); c.305G>A, p.Cys102Tyr (NM_001375259.1, NM_001375260.1); short protein forms C102Y, C334Y, C290Y.
Identifiers: ClinVar variation 840864 (VCV000840864.17), dbSNP rs745888157, ClinGen allele CA3623850.

ClinVar aggregate classification (germline): Conflicting classifications of pathogenicity. Review status: criteria provided, conflicting classifications (1 of 4 stars). 3 submissions from 3 submitters: Uncertain significance (2); Likely benign (1). Last evaluated 2025-12-30.

Conditions:
Inborn genetic diseases. Identifiers: MedGen C0950123, MeSH D030342.
Combined oxidative phosphorylation defect type 14. Also called: Combined oxidative phosphorylation deficiency 14. Identifiers: Orphanet 319519, MedGen C4755312, MONDO:0013986, OMIM 614946.

Allele frequency attached by ClinVar (database versions not stated): gnomAD 0.00001; TOPMed 0.00007; gnomAD exomes 0.00016; ExAC 0.00018.
gnomAD v4.1: 48 of 1,614,012 alleles (0.003%); highest among the groups gnomAD compares: Admixed American, 0.078%; no homozygotes.

Submissions (3):

Labcorp Genetics (formerly Invitae), Labcorp
Classification: Likely benign for Combined oxidative phosphorylation defect type 14. Last evaluated: 2025-12-30. Review status: criteria provided, single submitter. Criteria: Invitae Variant Classification Sherloc (09022015). Collection method: clinical testing. Allele origin: germline.

Ambry Genetics
Classification: Uncertain significance for Inborn genetic diseases. Last evaluated: 2025-10-07. Review status: criteria provided, single submitter. Criteria: Ambry Variant Classification Scheme 2023. Collection method: clinical testing. Allele origin: germline.

GeneDx
Classification: Uncertain significance. Last evaluated: 2021-11-30. Review status: criteria provided, single submitter. Criteria: GeneDx Variant Classification Process June 2021. Collection method: clinical testing. Allele origin: germline. Affected: yes.
Comment: Has not been previously published as pathogenic or benign to our knowledge; In silico analysis supports that this missense variant does not alter protein structure/function